The following is an entry in ClinVar:

ClinVar aggregate classification (germline): Uncertain significance (1 of 4 stars; one submission).

Conditions:
Kleefstra syndrome 1 (KLEFS1). Identifiers: Orphanet 261494, MedGen C0795833, MONDO:0027407, OMIM 610253.

Allele frequency attached by ClinVar (database versions not stated): gnomAD exomes below 0.00001.
gnomAD v4.1: 1 of 1,613,136 alleles (0.000062%); highest among the groups gnomAD compares: Non-Finnish European, 0.000085%; no homozygotes.

Submission:

Labcorp Genetics (formerly Invitae), Labcorp
Classification: Uncertain significance for Kleefstra syndrome 1. Last evaluated: 2022-08-16. Review status: criteria provided, single submitter. Criteria: Invitae Variant Classification Sherloc (09022015). Collection method: clinical testing. Allele origin: germline.
Comment: This sequence change replaces aspartic acid, which is acidic and polar, with asparagine, which is neutral and polar, at codon 1188 of the EHMT1 protein (p.Asp1188Asn). This variant is not present in population databases (gnomAD no frequency). This variant has not been reported in the literature in individuals affected with EHMT1-related conditions. ClinVar contains an entry for this variant (Variation ID: 641044). Algorithms developed to predict the effect of missense changes on protein structure and function are either unavailable or do not agree on the potential impact of this missense change (SIFT: "Deleterious"; PolyPhen-2: "Probably Damaging"; Align-GVGD: "Class C15"). In summary, the available evidence is currently insufficient to determine the role of this variant in disease. Therefore, it has been classified as a Variant of Uncertain Significance.

NM_024757.5(EHMT1):c.3562G>A (p.Asp1188Asn)

Gene: EHMT1 (euchromatic histone lysine methyltransferase 1; plus strand). Cytogenetic location: 9q34.3.
Variant type: single nucleotide variant.
Coding change: c.3562G>A on transcript NM_024757.5 (MANE Select); coding-DNA position 3562, G replaced by A.
Protein change: p.Asp1188Asn; replaces aspartic acid 1188 with asparagine.
Molecular consequence: missense variant.
Genome position (GRCh38, 1-based): chr9:137,834,370, G>A. VCF-style: chr9-137834370-G-A. GRCh37 (hg19) VCF-style: chr9-140728822-G-A.
Other names: c.3541G>A, p.Asp1181Asn (NM_001354263.2); short protein forms D1181N, D1188N.
Identifiers: ClinVar variation 641044 (VCV000641044.9), dbSNP rs1588947472, ClinGen allele CA375781254.
Genomic context (GRCh38, chr9:137,834,370, plus strand): 5'-CTTGCTAACTGCAGCCCGTGCCGGCTTCTCGCCCTGCAGGACGGGGAGGTTTACTGCATC[G>A]ACGCGCGGTTCTACGGGAACGTCAGCCGGTTCATCAACCACCACTGCGAGCCCAACCTGG-3'
Protein context (NP_079033.4, residues 1178-1198): DNKDGEVYCI[Asp1188Asn]ARFYGNVSRF